The following is an entry in ClinVar:

ClinVar aggregate classification (germline): Uncertain significance. Review status: criteria provided, multiple submitters, no conflicts (2 of 4 stars). 2 submissions from 2 submitters: Uncertain significance (2). Last evaluated 2026-08-10.

Conditions:
SLC4A11-related disorder. Also called: SLC4A11-related condition.

Allele frequency attached by ClinVar (database versions not stated): ExAC 0.00012; gnomAD 0.00022; ESP Exome Variant Server 0.00023; TOPMed 0.00025; gnomAD exomes 0.00030.
gnomAD v4.1: 457 of 1,613,270 alleles (0.028%); highest among the groups gnomAD compares: Non-Finnish European, 0.037%; 1 homozygote.

Submissions (2):

PreventionGenetics, part of Exact Sciences
Classification: Uncertain significance for SLC4A11-related condition. Last evaluated: 2026-08-10. Review status: criteria provided, single submitter. Criteria: ACMG Guidelines, 2015. Collection method: clinical testing. Allele origin: germline.
Comment: The SLC4A11 c.2500G>A variant is predicted to result in the amino acid substitution p.Gly834Ser. This variant was reported in an individual with Fuchs endothelial corneal dystrophy with functional in vitro experiments demonstrating posttranslational modifications were indistinguishable from wild-type with predominantly normal localization to the plasma membrane (Riazuddin et al. 2010. PubMed ID: 208485550). This variant is reported in 0.032% of alleles in individuals of European (Non-Finnish) descent in gnomAD. At this time, the clinical significance of this variant is uncertain due to the absence of conclusive functional and genetic evidence.

Labcorp Genetics (formerly Invitae), Labcorp
Classification: Uncertain significance. Last evaluated: 2022-05-04. Review status: criteria provided, single submitter. Criteria: Invitae Variant Classification Sherloc (09022015). Collection method: clinical testing. Allele origin: germline.
Comment: This sequence change replaces glycine, which is neutral and non-polar, with serine, which is neutral and polar, at codon 834 of the SLC4A11 protein (p.Gly834Ser). This variant is present in population databases (rs144586846, gnomAD 0.03%). This missense change has been observed in individual(s) with Fuchs corneal dystrophy (PMID: 20848555). Algorithms developed to predict the effect of missense changes on protein structure and function are either unavailable or do not agree on the potential impact of this missense change (SIFT: "Tolerated"; PolyPhen-2: "Possibly Damaging"; Align-GVGD: "Class C0"). Experimental studies have shown that this missense change does not substantially affect SLC4A11 function (PMID: 20848555, 29327391). Algorithms developed to predict the effect of sequence changes on RNA splicing suggest that this variant may disrupt the consensus splice site. In summary, the available evidence is currently insufficient to determine the role of this variant in disease. Therefore, it has been classified as a Variant of Uncertain Significance.

Literature cited by the submitters: PubMed 20848555 (cited by Labcorp Genetics (formerly Invitae), Labcorp); PubMed 29327391 (cited by Labcorp Genetics (formerly Invitae), Labcorp).

NM_001174089.2(SLC4A11):c.2452G>A (p.Gly818Ser)

Gene: SLC4A11 (solute carrier family 4 member 11; minus strand). Cytogenetic location: 20p13.
Variant type: single nucleotide variant.
Coding change: c.2452G>A on transcript NM_001174089.2 (MANE Select); coding-DNA position 2452, G replaced by A.
Protein change: p.Gly818Ser; replaces glycine 818 with serine.
Molecular consequence: missense variant. On other transcripts: non-coding transcript variant (3).
Genome position (GRCh38, 1-based): chr20:3,228,365, C>T on the plus strand (G>A on the coding strand, the complement: SLC4A11 is on the minus strand). VCF-style: chr20-3228365-C-T. GRCh37 (hg19) VCF-style: chr20-3209011-C-T.
Other names: c.2500G>A (NM_032034.3); c.2581G>A, p.Gly861Ser (NM_001174090.2); c.2338G>A, p.Gly780Ser (NM_001363745.2); c.2395G>A, p.Gly799Ser (NM_001400277.1, NM_001400278.1, NM_001400279.1); c.2467G>A, p.Gly823Ser (NM_001400280.1); c.2500G>A, p.Gly834Ser (NM_032034.4); short protein forms G834S, G780S, G818S, G799S, G861S, G823S.
Identifiers: ClinVar variation 2069986 (VCV002069986.2), dbSNP rs144586846, ClinGen allele CA9741455.